The following is an entry in ClinVar:

NM_004304.5(ALK):c.967C>T (p.Leu323Phe)

Gene: ALK (ALK receptor tyrosine kinase; minus strand). Cytogenetic location: 2p23.2.
Variant type: single nucleotide variant.
Coding change: c.967C>T on transcript NM_004304.5 (MANE Select); coding-DNA position 967, C replaced by T.
Protein change: p.Leu323Phe; replaces leucine 323 with phenylalanine.
Molecular consequence: missense variant.
Genome position (GRCh38, 1-based): chr2:29,532,102, G>A on the plus strand (C>T on the coding strand, the complement: ALK is on the minus strand). VCF-style: chr2-29532102-G-A. GRCh37 (hg19) VCF-style: chr2-29754968-G-A.
Other names: c.967C>T (NM_004304.4); short protein forms L323F.
Identifiers: ClinVar variation 1720326 (VCV001720326.6), dbSNP rs1403569967, ClinGen allele CA346587561.

ClinVar aggregate classification (germline): Conflicting classifications of pathogenicity. Review status: criteria provided, conflicting classifications (1 of 4 stars). 2 submissions from 2 submitters: Uncertain significance (1); Likely benign (1). Last evaluated 2026-07-15.

Conditions:
Hereditary cancer-predisposing syndrome. Also called: Tumor predisposition; Hereditary neoplastic syndrome; Neoplastic Syndromes, Hereditary; Hereditary Cancer Syndrome. Identifiers: Orphanet 140162, MedGen C0027672, MeSH D009386, MONDO:0015356.
Neuroblastoma, susceptibility to, 3. Also called: ALK-Related Neuroblastic Tumor Susceptibility. Identifiers: Orphanet 635, MedGen C2751681, MONDO:0013083, OMIM 613014.

Allele frequency attached by ClinVar (database versions not stated): gnomAD exomes below 0.00001.
gnomAD v4.1: 1 of 1,614,068 alleles (0.000062%); highest among the groups gnomAD compares: Non-Finnish European, 0.000085%; no homozygotes.

Submissions (2):

Ambry Genetics
Classification: Likely benign for Hereditary cancer-predisposing syndrome. Last evaluated: 2026-07-15. Review status: criteria provided, single submitter. Criteria: Ambry Variant Classification Scheme 2023. Collection method: clinical testing. Allele origin: germline.

Labcorp Genetics (formerly Invitae), Labcorp
Classification: Uncertain significance for Neuroblastoma, susceptibility to, 3. Last evaluated: 2024-04-29. Review status: criteria provided, single submitter. Criteria: Invitae Variant Classification Sherloc (09022015). Collection method: clinical testing. Allele origin: germline.
Comment: This sequence change replaces leucine, which is neutral and non-polar, with phenylalanine, which is neutral and non-polar, at codon 323 of the ALK protein (p.Leu323Phe). This variant is present in population databases (no rsID available, gnomAD 0.0009%). This variant has not been reported in the literature in individuals affected with ALK-related conditions. ClinVar contains an entry for this variant (Variation ID: 1720326). An algorithm developed to predict the effect of missense changes on protein structure and function (PolyPhen-2) suggests that this variant is likely to be disruptive. In summary, the available evidence is currently insufficient to determine the role of this variant in disease. Therefore, it has been classified as a Variant of Uncertain Significance.